The following is an entry in ClinVar:

NM_001011.4(RPS7):c.76-3T>G

Gene: RPS7 (ribosomal protein S7; plus strand). Cytogenetic location: 2p25.3.
Variant type: single nucleotide variant.
Coding change: c.76-3T>G on transcript NM_001011.4 (MANE Select); 3 bases into the intron before coding-DNA position 76, T replaced by G.
Molecular consequence: intron variant.
Genome position (GRCh38, 1-based): chr2:3,575,814, T>G. VCF-style: chr2-3575814-T-G. GRCh37 (hg19) VCF-style: chr2-3623404-T-G.
Identifiers: ClinVar variation 1305849 (VCV001305849.2), dbSNP rs1364756725, ClinGen allele CA2573051938.

ClinVar aggregate classification (germline): Uncertain significance (1 of 4 stars; one submission).

Submission:

GeneDx
Classification: Uncertain significance. Last evaluated: 2019-05-16. Review status: criteria provided, single submitter. Criteria: GeneDx Variant Classification Process June 2021. Collection method: clinical testing. Allele origin: germline. Affected: yes.
Comment: Not observed in large population cohorts (Lek et al., 2016); In silico analysis, which includes splice predictors and evolutionary conservation, supports a deleterious effect; Has not been previously published as pathogenic or benign to our knowledge